The following is an entry in ClinVar:

NM_006361.6(HOXB13):c.217A>T (p.Thr73Ser)

Gene: HOXB13 (homeobox B13; minus strand). Cytogenetic location: 17q21.32.
Variant type: single nucleotide variant.
Coding change: c.217A>T on transcript NM_006361.6 (MANE Select); coding-DNA position 217, A replaced by T.
Protein change: p.Thr73Ser; replaces threonine 73 with serine.
Molecular consequence: missense variant.
Genome position (GRCh38, 1-based): chr17:48,728,377, T>A on the plus strand (A>T on the coding strand, the complement: HOXB13 is on the minus strand). VCF-style: chr17-48728377-T-A. GRCh37 (hg19) VCF-style: chr17-46805739-T-A.
Other names: short protein forms T73S.
Identifiers: ClinVar variation 820823 (VCV000820823.4), dbSNP rs1597934763, ClinGen allele CA400107904.
Genomic context (GRCh38, chr17:48,728,377, plus strand): 5'-ACACTCGGCAGGAGTAGTACCCGCCTCCAAAGTAACCATAAGGCACGGGAGCTGGGGACG[T>A]CCCCTGGGGCACCCCAGGGCATGGGTGGCATTGCTTTGGCGGCTCCGCCGAGCCTGGCAG-3'
Protein context (NP_006352.2, residues 63-83): CHPCPGVPQG[Thr73Ser]SPAPVPYGYF

ClinVar aggregate classification (germline): Uncertain significance (1 of 4 stars; one submission).

Conditions:
Hereditary cancer-predisposing syndrome. Also called: Neoplastic Syndromes, Hereditary; Tumor predisposition; Hereditary Cancer Syndrome; Hereditary neoplastic syndrome. Identifiers: Orphanet 140162, MedGen C0027672, MeSH D009386, MONDO:0015356.

Submission:

Ambry Genetics
Classification: Uncertain significance for Hereditary cancer-predisposing syndrome. Last evaluated: 2019-08-27. Review status: criteria provided, single submitter. Criteria: Ambry Variant Classification Scheme 2023. Collection method: clinical testing. Allele origin: germline.
Comment: The p.T73S variant (also known as c.217A>T), located in coding exon 1 of the HOXB13 gene, results from an A to T substitution at nucleotide position 217. The threonine at codon 73 is replaced by serine, an amino acid with similar properties. This amino acid position is poorly conserved in available vertebrate species. In addition, this alteration is predicted to be tolerated by in silico analysis. Since supporting evidence is limited at this time, the clinical significance of this alteration remains unclear.